The following is an entry in ClinVar:

NM_001353214.3(DYM):c.847C>A (p.Gln283Lys)

Gene: DYM (dymeclin; minus strand). Cytogenetic location: 18q21.1.
Variant type: single nucleotide variant.
Coding change: c.847C>A on transcript NM_001353214.3 (MANE Select); coding-DNA position 847, C replaced by A.
Protein change: p.Gln283Lys; replaces glutamine 283 with lysine.
Molecular consequence: missense variant. On other transcripts: intron variant (1).
Genome position (GRCh38, 1-based): chr18:49,286,533, G>T on the plus strand (C>A on the coding strand, the complement: DYM is on the minus strand). VCF-style: chr18-49286533-G-T. GRCh37 (hg19) VCF-style: chr18-46812903-G-T.
Other names: c.847C>A (NM_017653.3); c.844C>A, p.Gln282Lys (NM_001353210.3, NM_001353211.3, NM_001353212.3 and 3 more transcripts); c.847C>A, p.Gln283Lys (NM_001353215.3, NM_001353216.3, NM_001374428.1 and 5 more transcripts); c.841C>A, p.Gln281Lys (NM_001374429.1, NM_001374439.1); c.721C>A, p.Gln241Lys (NM_001374432.1, NM_001374436.1); c.619C>A, p.Gln207Lys (NM_001374440.1); c.277C>A, p.Gln93Lys (NM_001374441.1, NM_001374442.1, NM_001374444.1); c.274C>A, p.Gln92Lys (NM_001374443.1); and 1 more; short protein forms Q282K, Q92K, Q283K, Q207K, Q281K, Q241K, Q93K.
Identifiers: ClinVar variation 1913660 (VCV001913660.6), dbSNP rs1425940447, ClinGen allele CA402508518.

ClinVar aggregate classification (germline): Uncertain significance. Review status: criteria provided, multiple submitters, no conflicts (2 of 4 stars). 2 submissions from 2 submitters: Uncertain significance (2). Last evaluated 2025-03-17.

Conditions:
Inborn genetic diseases. Identifiers: MedGen C0950123, MeSH D030342.

Allele frequency attached by ClinVar (database versions not stated): TOPMed below 0.00001; gnomAD 0.00001; gnomAD exomes 0.00001.
gnomAD v4.1: 5 of 1,614,042 alleles (0.00031%); highest among the groups gnomAD compares: Middle Eastern, 0.016%; no homozygotes.

Submissions (2):

Labcorp Genetics (formerly Invitae), Labcorp
Classification: Uncertain significance. Last evaluated: 2025-03-17. Review status: criteria provided, single submitter. Criteria: Invitae Variant Classification Sherloc (09022015). Collection method: clinical testing. Allele origin: germline.
Comment: This sequence change replaces glutamine, which is neutral and polar, with lysine, which is basic and polar, at codon 283 of the DYM protein (p.Gln283Lys). This variant is not present in population databases (gnomAD no frequency). This variant has not been reported in the literature in individuals affected with DYM-related conditions. ClinVar contains an entry for this variant (Variation ID: 1913660). Invitae Evidence Modeling of protein sequence and biophysical properties (such as structural, functional, and spatial information, amino acid conservation, physicochemical variation, residue mobility, and thermodynamic stability) indicates that this missense variant is not expected to disrupt DYM protein function with a negative predictive value of 80%. In summary, the available evidence is currently insufficient to determine the role of this variant in disease. Therefore, it has been classified as a Variant of Uncertain Significance.

Ambry Genetics
Classification: Uncertain significance for Inborn genetic diseases. Last evaluated: 2024-12-03. Review status: criteria provided, single submitter. Criteria: Ambry Variant Classification Scheme 2023. Collection method: clinical testing. Allele origin: germline.